The following is an entry in ClinVar:

NM_000257.4(MYH7):c.3125A>G (p.Lys1042Arg)

Gene: MYH7 (myosin heavy chain 7; minus strand). Cytogenetic location: 14q11.2.
Variant type: single nucleotide variant.
Coding change: c.3125A>G on transcript NM_000257.4 (MANE Select); coding-DNA position 3125, A replaced by G.
Protein change: p.Lys1042Arg; replaces lysine 1042 with arginine.
Molecular consequence: missense variant.
Genome position (GRCh38, 1-based): chr14:23,422,300, T>C on the plus strand (A>G on the coding strand, the complement: MYH7 is on the minus strand). VCF-style: chr14-23422300-T-C. GRCh37 (hg19) VCF-style: chr14-23891509-T-C.
Other names: short protein forms K1042R.
Identifiers: ClinVar variation 920877 (VCV000920877.15), dbSNP rs991485633, ClinGen allele CA257817945.
Genomic context (GRCh38, chr14:23,422,300, plus strand): 5'-GTCAGCTTCAGGTCGCCCTCCAGCTTCCGCTTCGCTCGCTCCAGGTCCATGCGCACCTTC[T>C]TCTCTTGCTCCAGGGATCCTTCCAGCTGGTAGAGAGAAGGAGCCAGGCCCAGTGAGGCAA-3'
Protein context (NP_000248.2, residues 1032-1052): DDLEGSLEQE[Lys1042Arg]KVRMDLERAK

ClinVar aggregate classification (germline): Uncertain significance. Review status: criteria provided, multiple submitters, no conflicts (2 of 4 stars). 4 submissions from 4 submitters: Uncertain significance (4). Last evaluated 2024-11-18.

Conditions:
Cardiomyopathy (CMYO). Also called: Cardiomyopathies. Identifiers: Orphanet 167848, MedGen C0878544, MONDO:0004994, HP:0001638. Inheritance: Various modes of inheritance.
Cardiovascular phenotype. Identifiers: MedGen CN230736.
Hypertrophic cardiomyopathy. Also called: HYPERTROPHIC MYOCARDIOPATHY. Identifiers: Orphanet 217569, MedGen C0007194, MeSH D002312, MONDO:0005045, HP:0001639.

Allele frequency attached by ClinVar (database versions not stated): gnomAD exomes below 0.00001; gnomAD 0.00003 and 0.00004; TOPMed 0.00003.
gnomAD v4.1: 6 of 1,614,050 alleles (0.00037%); highest among the groups gnomAD compares: African/African-American, 0.008%; no homozygotes.

Submissions (4):

Labcorp Genetics (formerly Invitae), Labcorp
Classification: Uncertain significance for Hypertrophic cardiomyopathy. Last evaluated: 2024-11-18. Review status: criteria provided, single submitter. Criteria: Invitae Variant Classification Sherloc (09022015). Collection method: clinical testing. Allele origin: germline.
Comment: This sequence change replaces lysine, which is basic and polar, with arginine, which is basic and polar, at codon 1042 of the MYH7 protein (p.Lys1042Arg). This variant is present in population databases (no rsID available, gnomAD 0.03%). This variant has not been reported in the literature in individuals affected with MYH7-related conditions. ClinVar contains an entry for this variant (Variation ID: 920877). Invitae Evidence Modeling of protein sequence and biophysical properties (such as structural, functional, and spatial information, amino acid conservation, physicochemical variation, residue mobility, and thermodynamic stability) indicates that this missense variant is expected to disrupt MYH7 protein function with a positive predictive value of 95%. In summary, the available evidence is currently insufficient to determine the role of this variant in disease. Therefore, it has been classified as a Variant of Uncertain Significance.

Ambry Genetics
Classification: Uncertain significance for Cardiovascular phenotype. Last evaluated: 2024-07-10. Review status: criteria provided, single submitter. Criteria: Ambry Variant Classification Scheme 2023. Collection method: clinical testing. Allele origin: germline.
Comment: The p.K1042R variant (also known as c.3125A>G), located in coding exon 23 of the MYH7 gene, results from an A to G substitution at nucleotide position 3125. The lysine at codon 1042 is replaced by arginine, an amino acid with highly similar properties. This amino acid position is highly conserved in available vertebrate species. In addition, the in silico prediction for this alteration is inconclusive. Since supporting evidence is limited at this time, the clinical significance of this alteration remains unclear.

Color Diagnostics, LLC DBA Color Health
Classification: Uncertain significance for Cardiomyopathy. Last evaluated: 2024-03-06. Review status: criteria provided, single submitter. Criteria: ACMG Guidelines, 2015. Collection method: clinical testing. Allele origin: germline.
Comment: This missense variant replaces lysine with arginine at codon 1042 of the MYH7 protein. Computational prediction suggests that this variant may not impact protein structure and function (internally defined REVEL score threshold <= 0.5, PMID: 27666373). To our knowledge, functional studies have not been reported for this variant. This variant has not been reported in individuals affected with MYH7-related disorders in the literature. This variant has been identified in 3/31390 chromosomes in the general population by the Genome Aggregation Database (gnomAD). The available evidence is insufficient to determine the role of this variant in disease conclusively. Therefore, this variant is classified as a Variant of Uncertain Significance.

All of Us Research Program, National Institutes of Health
Classification: Uncertain significance for Cardiomyopathy. Last evaluated: 2023-06-26. Review status: criteria provided, single submitter. Criteria: ACMG Guidelines, 2015. Collection method: clinical testing. Allele origin: germline. Inheritance: Autosomal dominant inheritance. Observed: 1 variant allele, 1 heterozygote.
Comment: This missense variant replaces lysine with arginine at codon 1042 of the MYH7 protein. Computational prediction suggests that this variant may not impact protein structure and function (internally defined REVEL score threshold <= 0.5, PMID: 27666373). To our knowledge, functional studies have not been reported for this variant. This variant has not been reported in individuals affected with MYH7-related disorders in the literature. This variant has been identified in 3/31390 chromosomes in the general population by the Genome Aggregation Database (gnomAD). The available evidence is insufficient to determine the role of this variant in disease conclusively. Therefore, this variant is classified as a Variant of Uncertain Significance.

This study involves interpretation of variants in research participants for the purpose of population health screening. Participant phenotype was not available at the time of variant classification. Additional details can be found in publication PMID: 35346344, PMCID: PMC8962531